The following is an entry in ClinVar:

ClinVar aggregate classification (germline): Benign/Likely benign. Review status: criteria provided, multiple submitters, no conflicts (2 of 4 stars). 10 submissions from 10 submitters: Benign (5); Likely benign (3). 2 of the submissions do not count toward it. Last evaluated 2026-02-04.

Conditions:
Congenital sensory neuropathy with selective loss of small myelinated fibers (HSAN5). Also called: HSAN Type V. Identifiers: Orphanet 64752, MedGen C0020075, MONDO:0012092, OMIM 608654.
NGF-related disorder. Also called: NGF-related condition.

Allele frequency attached by ClinVar (database versions not stated): ESP Exome Variant Server 0.01176; gnomAD exomes 0.01477 and 0.01039; 1000 Genomes Project 30x 0.00453; 1000 Genomes Project 0.00459; TOPMed 0.01059; ExAC 0.01079; gnomAD 0.01162 and 0.01173.
gnomAD v4.1: 23,233 of 1,614,182 alleles (1.4%); highest among the groups gnomAD compares: Non-Finnish European, 1.7%; 224 homozygotes.

Submissions (10):

Labcorp Genetics (formerly Invitae), Labcorp
Classification: Benign for Congenital sensory neuropathy with selective loss of small myelinated fibers. Last evaluated: 2026-02-04. Review status: criteria provided, single submitter. Criteria: Invitae Variant Classification Sherloc (09022015). Collection method: clinical testing. Allele origin: germline.

ARUP Laboratories, Molecular Genetics and Genomics, ARUP Laboratories
Classification: Benign for Congenital sensory neuropathy with selective loss of small myelinated fibers. Last evaluated: 2025-06-26. Review status: criteria provided, single submitter. Criteria: ARUP Molecular Germline Variant Investigation Process 2024. Collection method: clinical testing. Allele origin: germline.

Genome-Nilou Lab
Classification: Likely benign for Congenital sensory neuropathy with selective loss of small myelinated fibers. Last evaluated: 2023-04-11. Review status: criteria provided, single submitter. Criteria: ACMG Guidelines, 2015. Collection method: clinical testing. Allele origin: germline. Affected: no.

Illumina Laboratory Services, Illumina
Classification: Benign for Congenital sensory neuropathy with selective loss of small myelinated fibers. Last evaluated: 2018-01-13. Review status: criteria provided, single submitter. Criteria: ICSL Variant Classification Criteria 13 December 2019. Collection method: clinical testing. Allele origin: germline.
Comment: This variant was observed in the ICSL laboratory as part of a predisposition screen in an ostensibly healthy population. It had not been previously curated by ICSL or reported in the Human Gene Mutation Database (HGMD: prior to June 1st, 2018), and was therefore a candidate for classification through an automated scoring system. Utilizing variant allele frequency, disease prevalence and penetrance estimates, and inheritance mode, an automated score was calculated to assess if this variant is too frequent to cause the disease. Based on the score and internal cut-off values, a variant classified as benign is not then subjected to further curation. The score for this variant resulted in a classification of benign for this disease.

Mayo Clinic Laboratories, Mayo Clinic
Classification: Benign. Last evaluated: 2016-03-24. Review status: criteria provided, single submitter. Criteria: ACMG Guidelines, 2015. Collection method: clinical testing. Allele origin: germline. Observed: 51 variant alleles.

Genome Diagnostics Laboratory, University Medical Center Utrecht
Classification: Likely benign for Congenital sensory neuropathy with selective loss of small myelinated fibers. Last evaluated: 2016-01-28. Review status: criteria provided, single submitter. Criteria: ACGS Guidelines, 2013. Collection method: clinical testing. Allele origin: germline. Affected: yes. Study: VKGL Data-share Consensus.

GeneDx
Classification: Benign. Last evaluated: 2015-03-03. Review status: criteria provided, single submitter. Criteria: GeneDx Variant Classification Process June 2021. Collection method: clinical testing. Allele origin: germline. Affected: yes.

Breakthrough Genomics
Classification: Likely benign. Review status: criteria provided, single submitter. Criteria: ACMG Guidelines, 2015. Collection method: not provided. Allele origin: germline. Inheritance: Autosomal recessive inheritance. Affected: yes.

PreventionGenetics, part of Exact Sciences
Classification: Benign for NGF-related condition. Last evaluated: 2020-03-18. Review status: no assertion criteria provided. Collection method: clinical testing. Allele origin: germline. Not counted in ClinVar's aggregate classification.
Comment: This variant is classified as benign based on ACMG/AMP sequence variant interpretation guidelines (Richards et al. 2015 PMID: 25741868, with internal and published modifications).

Clinical Genetics, Academic Medical Center
Classification: Benign. Review status: no assertion criteria provided. Collection method: clinical testing. Allele origin: germline. Affected: yes. Study: VKGL Data-share Consensus. Not counted in ClinVar's aggregate classification.

NM_002506.3(NGF):c.239G>A (p.Arg80Gln)

Genes: NGF (nerve growth factor; minus strand), NGF-AS1 (NGF antisense RNA 1; plus strand). Cytogenetic location: 1p13.2.
Variant type: single nucleotide variant.
Coding change: c.239G>A on transcript NM_002506.3 (MANE Select); coding-DNA position 239, G replaced by A.
Protein change: p.Arg80Gln; replaces arginine 80 with glutamine.
Molecular consequence: missense variant.
Genome position (GRCh38, 1-based): chr1:115,286,557, C>T on the plus strand (G>A on the coding strand, the complement: NGF is on the minus strand). VCF-style: chr1-115286557-C-T. GRCh37 (hg19) VCF-style: chr1-115829178-C-T.
Other names: short protein forms R80Q.
Identifiers: ClinVar variation 291991 (VCV000291991.35), dbSNP rs11466111, ClinGen allele CA1023016.